The following is an entry in ClinVar:

ClinVar aggregate classification (germline): Uncertain significance (1 of 4 stars; one submission).

Conditions:
Congenital contractural arachnodactyly (CCA). Also called: BEALS SYNDROME; Arthrogryposis, distal, type 9; Beals-Hecht syndrome. Identifiers: Orphanet 115, MedGen C0220668, MONDO:0007363, OMIM 121050.

Submission:

Labcorp Genetics (formerly Invitae), Labcorp
Classification: Uncertain significance for Congenital contractural arachnodactyly. Last evaluated: 2025-01-30. Review status: criteria provided, single submitter. Criteria: Invitae Variant Classification Sherloc (09022015). Collection method: clinical testing. Allele origin: germline.
Comment: This sequence change falls in intron 59 of the FBN2 gene. It does not directly change the encoded amino acid sequence of the FBN2 protein. It affects a nucleotide within the consensus splice site. This variant is not present in population databases (gnomAD no frequency). This variant has not been reported in the literature in individuals affected with FBN2-related conditions. Variants that disrupt the consensus splice site are a relatively common cause of aberrant splicing (PMID: 17576681, 9536098). Algorithms developed to predict the effect of sequence changes on RNA splicing suggest that this variant is not likely to affect RNA splicing. In summary, the available evidence is currently insufficient to determine the role of this variant in disease. Therefore, it has been classified as a Variant of Uncertain Significance.

Literature cited by the submitters: PubMed 17576681; PubMed 9536098.

NM_001999.4(FBN2):c.7594+4A>G

Gene: FBN2 (fibrillin 2; minus strand). Cytogenetic location: 5q23.3.
Variant type: single nucleotide variant.
Coding change: c.7594+4A>G on transcript NM_001999.4 (MANE Select); 4 bases into the intron after coding-DNA position 7594, A replaced by G.
Molecular consequence: intron variant.
Genome position (GRCh38, 1-based): chr5:128,276,034, T>C on the plus strand (A>G on the coding strand, the complement: FBN2 is on the minus strand). VCF-style: chr5-128276034-T-C. GRCh37 (hg19) VCF-style: chr5-127611726-T-C.
Identifiers: ClinVar variation 3729846 (VCV003729846.2).